The following is an entry in ClinVar:

NM_033225.6(CSMD1):c.1223-5T>C

Gene: CSMD1 (CUB and Sushi multiple domains 1; minus strand). Cytogenetic location: 8p23.2.
Variant type: single nucleotide variant.
Coding change: c.1223-5T>C on transcript NM_033225.6 (MANE Select); 5 bases into the intron before coding-DNA position 1223, T replaced by C.
Molecular consequence: intron variant.
Genome position (GRCh38, 1-based): chr8:3,575,071, A>G on the plus strand (T>C on the coding strand, the complement: CSMD1 is on the minus strand). VCF-style: chr8-3575071-A-G. GRCh37 (hg19) VCF-style: chr8-3432593-A-G.
Identifiers: ClinVar variation 3390339 (VCV003390339.14).
Genomic context (GRCh38, chr8:3,575,071, plus strand): 5'-ATTAGGGGAGGTAATGACGCCGCTGGGCCCACGCAGATTGGATCCACATGTTCTCGCTGG[A>G]AACACATAGAAACGACGTTATTTTCTACAACATTGTGTCAGTTTGGTAAAGACATAACAT-3'

ClinVar aggregate classification (germline): Likely benign (1 of 4 stars; one submission).

gnomAD v4.1: 3 of 1,612,412 alleles (0.00019%); highest among the groups gnomAD compares: Admixed American, 0.0017%; no homozygotes.

Submission:

CeGaT Center for Human Genetics Tuebingen
Classification: Likely benign. Last evaluated: 2024-11-01. Review status: criteria provided, single submitter. Criteria: CeGaT Center For Human Genetics Tuebingen Variant Classification Criteria Version 2. Collection method: clinical testing. Allele origin: germline. Affected: yes. Observed: 1 variant allele.
Comment: CSMD1: BP4